The following is an entry in ClinVar:

NM_005654.6(NR2F1):c.547del (p.Cys183fs)

Gene: NR2F1 (nuclear receptor subfamily 2 group F member 1; plus strand). Cytogenetic location: 5q15.
Variant type: Deletion.
Coding change: c.547del on transcript NM_005654.6 (MANE Select); coding-DNA position 547, one base deleted (T; older notation c.547delT).
Protein change: p.Cys183fs; shifts the reading frame from cysteine 183.
Molecular consequence: frameshift variant.
Genome position (GRCh38, 1-based): chr5:93,588,000, T deleted. VCF-style (leftmost placement, unchanged base first): chr5-93587999-CT-C. GRCh37 (hg19) VCF-style: chr5-92923705-CT-C.
Other names: c.97del, p.Cys33fs (NM_001410754.1); short protein forms C33fs, C183fs.
Identifiers: ClinVar variation 2613241 (VCV002613241.2), dbSNP rs2480808562, ClinGen allele CA2582341592.

ClinVar aggregate classification (germline): Pathogenic (1 of 4 stars; one submission).

Conditions:
Inborn genetic diseases. Identifiers: MedGen C0950123, MeSH D030342.

Submission:

Ambry Genetics
Classification: Pathogenic for Inborn genetic diseases. Last evaluated: 2023-09-15. Review status: criteria provided, single submitter. Criteria: Ambry Variant Classification Scheme 2023. Collection method: clinical testing. Allele origin: germline.
Comment: The c.547delT (p.C183Afs*174) alteration, located in exon 2 (coding exon 2) of the NR2F1 gene, consists of a deletion of one nucleotide at position 547, causing a translational frameshift with a predicted alternate stop codon after 174 amino acids. This alteration occurs at the 3' terminus of the NR2F1 gene, is not expected to trigger nonsense-mediated mRNA decay, and only impacts the last 240 amino acids of the protein. However, premature stop codons are typically deleterious in nature, the impacted region is critical for protein function, and a significant portion of the protein is affected (Ambry internal data). This variant was not reported in population-based cohorts in the Genome Aggregation Database (gnomAD). Based on the available evidence, this alteration is classified as pathogenic.